The following is an entry in ClinVar:

ClinVar aggregate classification (germline): Pathogenic (1 of 4 stars; one submission).

Submission:

GeneDx
Classification: Pathogenic. Last evaluated: 2017-05-17. Review status: criteria provided, single submitter. Criteria: GeneDx Variant Classification (06012015). Collection method: clinical testing. Allele origin: germline. Affected: yes.
Comment: The c.993delC variant in the PUF60 gene has not been reported previously as a pathogenic variant nor as a benign variant, to our knowledge. The c.993delC variant causes a frameshift starting with codon Lysine 332, changes this amino acid to an Arginine residue, and creates a premature Stop codon at position 27 of the new reading frame, denoted p.Lys332ArgfsX27. This variant is predicted to cause loss of normal protein function either through protein truncation or nonsense-mediated mRNA decay. The c.993delC variant is not observed in large population cohorts (Lek et al., 2016; 1000 Genomes Consortium et al., 2015; Exome Variant Server). We interpret c.993delC as a pathogenic variant.

NM_078480.3(PUF60):c.993del (p.Lys332fs)

Gene: PUF60 (poly(U) binding splicing factor 60; minus strand). Cytogenetic location: 8q24.3.
Variant type: Deletion.
Coding change: c.993del on transcript NM_078480.3 (MANE Select); coding-DNA position 993, one base deleted (C; older notation c.993delC).
Protein change: p.Lys332fs; shifts the reading frame from lysine 332.
Molecular consequence: frameshift variant.
Genome position (GRCh38, 1-based): chr8:143,817,607, G deleted on the plus strand (C on the coding strand, the reverse complement: PUF60 is on the minus strand); the first of 2 consecutive G bases (chr8:143,817,607-143,817,608); deleting either gives the same sequence. VCF-style (leftmost placement, unchanged base first): chr8-143817606-TG-T. GRCh37 (hg19) VCF-style: chr8-144899776-TG-T.
Other names: c.864del, p.Lys289fs (NM_001136033.3); c.939del, p.Lys314fs (NM_001271096.2); c.855del, p.Lys286fs (NM_001271097.2); c.990del, p.Lys331fs (NM_001271098.2); c.906del, p.Lys303fs (NM_001271099.2); c.813del, p.Lys272fs (NM_001271100.2); c.1104del, p.Lys369fs (NM_001362895.2, NM_001362896.2); c.1053del, p.Lys352fs (NM_001362897.2); and 1 more; short protein forms K314fs, K286fs, K303fs, K272fs, K289fs, K331fs, K332fs, K369fs.
Identifiers: ClinVar variation 430000 (VCV000430000.2), dbSNP rs1131691721, ClinGen allele CA645369406.